The following is an entry in ClinVar:

ClinVar aggregate classification (germline): Pathogenic (1 of 4 stars; one submission).

Conditions:
Hereditary breast ovarian cancer syndrome. Also called: Hereditary breast and ovarian cancer syndrome (HBOC); Hereditary breast and ovarian cancer syndrome; Breast and ovarian cancer; Hereditary breast and ovarian cancer; Hereditary breast and/or ovarian cancer syndrome; BRCA1- and BRCA2-Associated Hereditary Breast and Ovarian Cancer. Identifiers: Orphanet 145, MedGen C0677776, MeSH D061325, MONDO:0003582. Disease mechanism: loss of function.

Submission:

Labcorp Genetics (formerly Invitae), Labcorp
Classification: Pathogenic for Hereditary breast ovarian cancer syndrome. Last evaluated: 2023-08-16. Review status: criteria provided, single submitter. Criteria: Invitae Variant Classification Sherloc (09022015). Collection method: clinical testing. Allele origin: germline.
Comment: For these reasons, this variant has been classified as Pathogenic. This variant has not been reported in the literature in individuals affected with BRCA2-related conditions. This variant is a gross deletion of the genomic region encompassing exon(s) 5-7 of the BRCA2 gene. This deletion is out-of-frame, and is expected to create a premature termination codon and result in an absent or disrupted protein product. Loss-of-function variants in BRCA2 are known to be pathogenic (PMID: 20104584).

Literature cited by the submitters: PubMed 20104584.

NC_000013.11:g.(?_32326081)_(32326633_?)del

Gene: BRCA2 (BRCA2 DNA repair associated; plus strand). Cytogenetic location: 13q13.1.
Variant type: Deletion.
Identifiers: ClinVar variation 662284 (VCV000662284.11).